The following is an entry in ClinVar:

NM_001374623.1(PNPLA1):c.536A>G (p.Gln179Arg)

Gene: PNPLA1 (patatin like domain 1, omega-hydroxyceramide transacylase; plus strand). Cytogenetic location: 6p21.31.
Variant type: single nucleotide variant.
Coding change: c.536A>G on transcript NM_001374623.1 (MANE Select); coding-DNA position 536, A replaced by G.
Protein change: p.Gln179Arg; replaces glutamine 179 with arginine.
Molecular consequence: missense variant.
Genome position (GRCh38, 1-based): chr6:36,294,221, A>G. VCF-style: chr6-36294221-A-G. GRCh37 (hg19) VCF-style: chr6-36261998-A-G.
Other names: c.278A>G, p.Gln93Arg (NM_001145716.2); c.536A>G, p.Gln179Arg (NM_001145717.1); c.251A>G, p.Gln84Arg (NM_173676.2); short protein forms Q179R, Q84R, Q93R.
Identifiers: ClinVar variation 3900745 (VCV003900745.1).
Genomic context (GRCh38, chr6:36,294,221, plus strand): 5'-AGTGGGCATTTCTCACTCTGCCCCCACAGAGGTACATCGATGGGGGCTTCACGGGCATGC[A>G]GCCCTGTGCCTTCTGGACCGACGCCATCACCATCTCCACCTTCAGTGGGCAGCAGGACAT-3'
Protein context (NP_001361552.1, residues 169-189): RYIDGGFTGM[Gln179Arg]PCAFWTDAIT

ClinVar aggregate classification (germline): Pathogenic (1 of 4 stars; one submission).

Conditions:
Autosomal recessive congenital ichthyosis 10 (ARCI10). Identifiers: Orphanet 79394, MedGen C3554355, MONDO:0014011, OMIM 615024.

Submission:

Genetics Department, University Hospital of Toulouse
Classification: Pathogenic for Autosomal recessive congenital ichthyosis 10. Last evaluated: 2025-05-19. Review status: criteria provided, single submitter. Criteria: ACMG Guidelines, 2015. Collection method: clinical testing, in vitro. Allele origin: germline, not applicable. Inheritance: Autosomal recessive inheritance. Affected: yes.
Comment: The variant NM_001374623.1(PNPLA1):c.536A>G is absent from population databases (dbSNP, gnomAD). It is a missense variant predicted to result in the substitution of a highly conserved glutamine with an arginine within the conserved patatin-like domain of the protein. This variant has been reported to be in trans with a pathogenic PNPLA1 variant as compound heterozygous, in two affected individuals with Autosomal Recessive Congenital Ichthyosis (ARCI10; OMIM #615024) (PMID: 28093717; Pell et al., submitted). An in vitro functional study supports a damaging effect on the gene product (Pell et al., submitted). Based on this evidence, the variant is classified as pathogenic.

Literature cited by the submitters: PubMed 28093717.